The following is an entry in ClinVar:

NM_007055.4(POLR3A):c.3698G>A (p.Arg1233Gln)

Gene: POLR3A (RNA polymerase III subunit A; minus strand). Cytogenetic location: 10q22.3.
Variant type: single nucleotide variant.
Coding change: c.3698G>A on transcript NM_007055.4 (MANE Select); coding-DNA position 3698, G replaced by A.
Protein change: p.Arg1233Gln; replaces arginine 1233 with glutamine.
Molecular consequence: missense variant.
Genome position (GRCh38, 1-based): chr10:77,982,215, C>T on the plus strand (G>A on the coding strand, the complement: POLR3A is on the minus strand). VCF-style: chr10-77982215-C-T. GRCh37 (hg19) VCF-style: chr10-79741973-C-T.
Other names: short protein forms R1233Q.
Identifiers: ClinVar variation 878323 (VCV000878323.12), dbSNP rs769323808, ClinGen allele CA5570748.
Genomic context (GRCh38, chr10:77,982,215, plus strand): 5'-TCATAGGTGTTATTGGAGGTGGTTCGGGTGCCCTTCACACCGTGTGTGGCCATGACTGCC[C>T]GCAGGTTATCACCTTCCACCAGAAGCTTGTACTTCTCCTTTCCACTCTGCTCGTCAATGT-3'
Protein context (NP_008986.2, residues 1223-1243): YKLLVEGDNL[Arg1233Gln]AVMATHGVKG

ClinVar aggregate classification (germline): Uncertain significance. Review status: criteria provided, multiple submitters, no conflicts (2 of 4 stars). 4 submissions from 4 submitters: Uncertain significance (4). Last evaluated 2025-12-10.

Conditions:
Inborn genetic diseases. Identifiers: MedGen C0950123, MeSH D030342.
Leukodystrophy, hypomyelinating, 7, with or without oligodontia and/or hypogonadotropic hypogonadism (HLD7). Also called: LEUKOENCEPHALOPATHY, HYPOMYELINATING, WITH ATAXIA AND DELAYED DENTITION; ATAXIA, DELAYED DENTITION, AND HYPOMYELINATION; LEUKODYSTROPHY, HYPOMYELINATING, 7, WITH OLIGODONTIA; LEUKODYSTROPHY, HYPOMYELINATING, 7, WITH OLIGODONTIA AND HYPOGONADOTROPIC HYPOGONADISM; LEUKODYSTROPHY, HYPOMYELINATING, 7, WITHOUT OLIGODONTIA OR HYPOGONADOTROPIC HYPOGONADISM; Ataxia, Delayed Dentition and Hypomyelination (ADDH). Identifiers: Orphanet 137639, Orphanet 447893, Orphanet 447896, Orphanet 77295, Orphanet 88637, MedGen CN034185, MONDO:0011897, OMIM 607694.

Allele frequency attached by ClinVar (database versions not stated): ExAC 0.00005; gnomAD 0.00008; gnomAD exomes 0.00008; TOPMed 0.00008.
gnomAD v4.1: 275 of 1,613,892 alleles (0.017%); highest among the groups gnomAD compares: Non-Finnish European, 0.021%; no homozygotes.

Submissions (4):

GeneDx
Classification: Uncertain significance. Last evaluated: 2025-12-10. Review status: criteria provided, single submitter. Criteria: GeneDx Variant Classification Process June 2021. Collection method: clinical testing. Allele origin: germline. Affected: yes.
Comment: In silico analysis suggests that this missense variant does not alter protein structure/function; Has not been previously published as pathogenic or benign to our knowledge

Labcorp Genetics (formerly Invitae), Labcorp
Classification: Uncertain significance. Last evaluated: 2022-09-16. Review status: criteria provided, single submitter. Criteria: Invitae Variant Classification Sherloc (09022015). Collection method: clinical testing. Allele origin: germline.
Comment: This sequence change replaces arginine, which is basic and polar, with glutamine, which is neutral and polar, at codon 1233 of the POLR3A protein (p.Arg1233Gln). This variant is present in population databases (rs769323808, gnomAD 0.02%). This variant has not been reported in the literature in individuals affected with POLR3A-related conditions. ClinVar contains an entry for this variant (Variation ID: 878323). Advanced modeling of protein sequence and biophysical properties (such as structural, functional, and spatial information, amino acid conservation, physicochemical variation, residue mobility, and thermodynamic stability) performed at Invitae indicates that this missense variant is not expected to disrupt POLR3A protein function. Algorithms developed to predict the effect of sequence changes on RNA splicing suggest that this variant may create or strengthen a splice site. In summary, the available evidence is currently insufficient to determine the role of this variant in disease. Therefore, it has been classified as a Variant of Uncertain Significance.

Ambry Genetics
Classification: Uncertain significance for Inborn genetic diseases. Last evaluated: 2021-06-11. Review status: criteria provided, single submitter. Criteria: Ambry Variant Classification Scheme 2023. Collection method: clinical testing. Allele origin: germline.

Illumina Laboratory Services, Illumina
Classification: Uncertain significance for Leukodystrophy, hypomyelinating, 7, with or without oligodontia and/or hypogonadotropic hypogonadism. Last evaluated: 2018-01-12. Review status: criteria provided, single submitter. Criteria: ICSL Variant Classification Criteria 13 December 2019. Collection method: clinical testing. Allele origin: germline.